The following is an entry in ClinVar:

ClinVar aggregate classification (germline): Uncertain significance. Review status: criteria provided, multiple submitters, no conflicts (2 of 4 stars). 3 submissions from 2 submitters: Uncertain significance (3). Last evaluated 2024-05-06.

Conditions:
Early-infantile DEE. Also called: Early infantile epileptic encephalopathy; Ohtahara syndrome; Early infantile epileptic encephalopathy with suppression bursts. Identifiers: Orphanet 1934, MedGen C0393706, MONDO:0800491.
Generalized epilepsy with febrile seizures plus, type 2 (GEFSP2). Also called: GEFS+, TYPE 2. Identifiers: Orphanet 36387, MedGen C1858673, MONDO:0011461, OMIM 604403.
Migraine, familial hemiplegic, 3. Identifiers: Orphanet 569, MedGen C1864987, MONDO:0012320, OMIM 609634.

Allele frequency attached by ClinVar (database versions not stated): TOPMed below 0.00001; gnomAD 0.00001.

Submissions (3):

Labcorp Genetics (formerly Invitae), Labcorp
Classification: Uncertain significance for Early-infantile DEE. Last evaluated: 2024-05-06. Review status: criteria provided, single submitter. Criteria: Invitae Variant Classification Sherloc (09022015). Collection method: clinical testing. Allele origin: germline.
Comment: This sequence change affects codon 1334 of the SCN1A mRNA. It is a 'silent' change, meaning that it does not change the encoded amino acid sequence of the SCN1A protein. This variant also falls at the last nucleotide of exon 20, which is part of the consensus splice site for this exon. This variant is present in population databases (rs751215933, gnomAD 0.002%). This variant has not been reported in the literature in individuals affected with SCN1A-related conditions. ClinVar contains an entry for this variant (Variation ID: 893908). Variants that disrupt the consensus splice site are a relatively common cause of aberrant splicing (PMID: 17576681, 9536098). Algorithms developed to predict the effect of sequence changes on RNA splicing suggest that this variant may disrupt the consensus splice site. In summary, the available evidence is currently insufficient to determine the role of this variant in disease. Therefore, it has been classified as a Variant of Uncertain Significance.

Illumina Laboratory Services, Illumina
Classification: Uncertain significance for Generalized epilepsy with febrile seizures plus, type 2. Last evaluated: 2018-01-13. Review status: criteria provided, single submitter. Criteria: ICSL Variant Classification Criteria 13 December 2019. Collection method: clinical testing. Allele origin: germline.

Illumina Laboratory Services, Illumina
Classification: Uncertain significance for Migraine, familial hemiplegic, 3. Last evaluated: 2018-01-13. Review status: criteria provided, single submitter. Criteria: ICSL Variant Classification Criteria 13 December 2019. Collection method: clinical testing. Allele origin: germline.

Literature cited by the submitters: PubMed 17576681 (cited by Labcorp Genetics (formerly Invitae), Labcorp); PubMed 9536098 (cited by Labcorp Genetics (formerly Invitae), Labcorp).

NM_001165963.4(SCN1A):c.4002G>A (p.Arg1334=)

Genes: SCN1A (sodium voltage-gated channel alpha subunit 1; minus strand), LOC102724058 (uncharacterized LOC102724058; plus strand). Cytogenetic location: 2q24.3.
Variant type: single nucleotide variant.
Coding change: c.4002G>A on transcript NM_001165963.4 (MANE Select); coding-DNA position 4002, G replaced by A.
Protein change: p.Arg1334=; no amino-acid change (arginine 1334 retained).
Molecular consequence: synonymous variant. On other transcripts: non-coding transcript variant (1).
Genome position (GRCh38, 1-based): chr2:166,009,719, C>T on the plus strand (G>A on the coding strand, the complement: SCN1A is on the minus strand). VCF-style: chr2-166009719-C-T. GRCh37 (hg19) VCF-style: chr2-166866229-C-T.
Other names: c.3918G>A, p.Arg1306= (NM_001165964.3, NM_001353957.2, NM_001353958.2); c.4002G>A, p.Arg1334= (NM_001202435.3, NM_001353948.2); c.3969G>A, p.Arg1323= (NM_001353949.2, NM_001353950.2, NM_001353951.2 and 2 more transcripts); c.3966G>A, p.Arg1322= (NM_001353954.2, NM_001353955.2); c.3915G>A, p.Arg1305= (NM_001353960.2); c.1560G>A, p.Arg520= (NM_001353961.2).
Identifiers: ClinVar variation 893908 (VCV000893908.6), dbSNP rs751215933, ClinGen allele CA1942860.